The following is an entry in ClinVar:

NM_015650.4(TRAF3IP1):c.1651T>G (p.Tyr551Asp)

Gene: TRAF3IP1 (TRAF3 interacting protein 1; plus strand). Cytogenetic location: 2q37.3.
Variant type: single nucleotide variant.
Coding change: c.1651T>G on transcript NM_015650.4 (MANE Select); coding-DNA position 1651, T replaced by G.
Protein change: p.Tyr551Asp; replaces tyrosine 551 with aspartic acid.
Molecular consequence: missense variant.
Genome position (GRCh38, 1-based): chr2:238,356,042, T>G. VCF-style: chr2-238356042-T-G. GRCh37 (hg19) VCF-style: chr2-239264683-T-G.
Other names: c.1453T>G, p.Tyr485Asp (NM_001139490.1); short protein forms Y551D, Y485D.
Identifiers: ClinVar variation 2052668 (VCV002052668.4), dbSNP rs2469716017, ClinGen allele CA351234979.

ClinVar aggregate classification (germline): Uncertain significance (1 of 4 stars; one submission).

Submission:

Labcorp Genetics (formerly Invitae), Labcorp
Classification: Uncertain significance. Last evaluated: 2024-10-26. Review status: criteria provided, single submitter. Criteria: Invitae Variant Classification Sherloc (09022015). Collection method: clinical testing. Allele origin: germline.
Comment: This sequence change replaces tyrosine, which is neutral and polar, with aspartic acid, which is acidic and polar, at codon 551 of the TRAF3IP1 protein (p.Tyr551Asp). This variant is not present in population databases (gnomAD no frequency). This variant has not been reported in the literature in individuals affected with TRAF3IP1-related conditions. ClinVar contains an entry for this variant (Variation ID: 2052668). Invitae Evidence Modeling of protein sequence and biophysical properties (such as structural, functional, and spatial information, amino acid conservation, physicochemical variation, residue mobility, and thermodynamic stability) indicates that this missense variant is expected to disrupt TRAF3IP1 protein function with a positive predictive value of 80%. In summary, the available evidence is currently insufficient to determine the role of this variant in disease. Therefore, it has been classified as a Variant of Uncertain Significance.